The following is an entry in ClinVar:

ClinVar aggregate classification (germline): Uncertain significance. Review status: criteria provided, multiple submitters, no conflicts (2 of 4 stars). 2 submissions from 2 submitters: Uncertain significance (2). Last evaluated 2024-06-17.

Allele frequency attached by ClinVar (database versions not stated): gnomAD exomes 0.00003.
gnomAD v4.1: 32 of 1,342,488 alleles (0.0024%); highest among the groups gnomAD compares: Non-Finnish European, 0.0031%; no homozygotes.

Submissions (2):

GeneDx
Classification: Uncertain significance. Last evaluated: 2024-06-17. Review status: criteria provided, single submitter. Criteria: GeneDx Variant Classification Process June 2021. Collection method: clinical testing. Allele origin: germline. Affected: yes.
Comment: Not observed at significant frequency in large population cohorts (gnomAD); In silico analysis indicates that this missense variant does not alter protein structure/function; Has not been previously published as pathogenic or benign to our knowledge

Labcorp Genetics (formerly Invitae), Labcorp
Classification: Uncertain significance. Last evaluated: 2023-08-19. Review status: criteria provided, single submitter. Criteria: Invitae Variant Classification Sherloc (09022015). Collection method: clinical testing. Allele origin: germline.
Comment: Experimental studies and prediction algorithms are not available or were not evaluated, and the functional significance of this variant is currently unknown. This variant has not been reported in the literature in individuals affected with ARID1B-related conditions. This variant is not present in population databases (gnomAD no frequency). This sequence change replaces asparagine, which is neutral and polar, with threonine, which is neutral and polar, at codon 231 of the ARID1B protein (p.Asn231Thr). In summary, the available evidence is currently insufficient to determine the role of this variant in disease. Therefore, it has been classified as a Variant of Uncertain Significance.

NM_001374828.1(ARID1B):c.941A>C (p.Asn314Thr)

Genes: ARID1B (AT-rich interaction domain 1B; plus strand), LOC129997525 (ATAC-STARR-seq lymphoblastoid silent region 17712; plus strand). Cytogenetic location: 6q25.3.
Variant type: single nucleotide variant.
Coding change: c.941A>C on transcript NM_001374828.1 (MANE Select); coding-DNA position 941, A replaced by C.
Protein change: p.Asn314Thr; replaces asparagine 314 with threonine.
Molecular consequence: missense variant.
Genome position (GRCh38, 1-based): chr6:156,778,621, A>C. VCF-style: chr6-156778621-A-C. GRCh37 (hg19) VCF-style: chr6-157099755-A-C.
Other names: c.692A>C, p.Asn231Thr (NM_001346813.1, NM_020732.3); c.941A>C, p.Asn314Thr (NM_001371656.1, NM_001374820.1, NM_017519.3); c.518A>C, p.Asn173Thr (NM_175863.2); short protein forms N173T, N314T, N231T.
Identifiers: ClinVar variation 2722932 (VCV002722932.4), dbSNP rs1778874389, ClinGen allele CA366382507.